The following is an entry in ClinVar:

ClinVar aggregate classification (germline): Likely benign (0 of 4 stars; one submission).

Conditions:
SLC20A2-related disorder. Also called: SLC20A2-related condition.

Allele frequency attached by ClinVar (database versions not stated): gnomAD exomes below 0.00001; ExAC 0.00002; TOPMed 0.00003; gnomAD 0.00005; ESP Exome Variant Server 0.00008.
gnomAD v4.1: 14 of 1,550,958 alleles (0.0009%); highest among the groups gnomAD compares: African/African-American, 0.012%; no homozygotes.

Submission:

PreventionGenetics, part of Exact Sciences
Classification: Likely benign for SLC20A2-related condition. Last evaluated: 2019-08-19. Review status: no assertion criteria provided. Collection method: clinical testing. Allele origin: germline.
Comment: This variant is classified as likely benign based on ACMG/AMP sequence variant interpretation guidelines (Richards et al. 2015 PMID: 25741868, with internal and published modifications).

NM_001257180.2(SLC20A2):c.517-3C>T

Gene: SLC20A2 (solute carrier family 20 member 2; minus strand). Cytogenetic location: 8p11.21.
Variant type: single nucleotide variant.
Coding change: c.517-3C>T on transcript NM_001257180.2 (MANE Select); 3 bases into the intron before coding-DNA position 517, C replaced by T.
Molecular consequence: intron variant.
Genome position (GRCh38, 1-based): chr8:42,459,995, G>A on the plus strand (C>T on the coding strand, the complement: SLC20A2 is on the minus strand). VCF-style: chr8-42459995-G-A. GRCh37 (hg19) VCF-style: chr8-42317513-G-A.
Other names: c.517-3C>T (NM_006749.5, NM_001257181.2).
Identifiers: ClinVar variation 3052730 (VCV003052730.2), dbSNP rs371770684, ClinGen allele CA4733544.
Genomic context (GRCh38, chr8:42,459,995, plus strand): 5'-CTATGGTAGCAGCATAGAATACTGGGAGTGCCCGGAGGCCATTGGGAACAGGGTCTTCCT[G>A]TAGGAAGACAAGGAGACAGAGTGGAAGGTCAGGATCCCAGCAGCATTTGGAGCCAACACA-3'